The following is an entry in ClinVar:

ClinVar aggregate classification (germline): Pathogenic (1 of 4 stars; one submission).

Submission:

Labcorp Genetics (formerly Invitae), Labcorp
Classification: Pathogenic. Last evaluated: 2023-06-10. Review status: criteria provided, single submitter. Criteria: Invitae Variant Classification Sherloc (09022015). Collection method: clinical testing. Allele origin: germline.
Comment: For these reasons, this variant has been classified as Pathogenic. Algorithms developed to predict the effect of sequence changes on RNA splicing suggest that this variant may disrupt the consensus splice site. This variant has not been reported in the literature in individuals affected with HPS5-related conditions. This variant is not present in population databases (gnomAD no frequency). This sequence change creates a premature translational stop signal (p.Trp370*) in the HPS5 gene. It is expected to result in an absent or disrupted protein product. Loss-of-function variants in HPS5 are known to be pathogenic (PMID: 12548288, 15296495, 21833017, 26785811).

Literature cited by the submitters: PubMed 12548288; PubMed 15296495; PubMed 21833017; PubMed 26785811.

NM_181507.2(HPS5):c.1109G>A (p.Trp370Ter)

Gene: HPS5 (HPS5 biogenesis of lysosomal organelles complex 2 subunit 2; minus strand). Cytogenetic location: 11p15.1.
Variant type: single nucleotide variant.
Coding change: c.1109G>A on transcript NM_181507.2 (MANE Select); coding-DNA position 1109, G replaced by A.
Protein change: p.Trp370Ter; replaces tryptophan 370 with a stop codon.
Molecular consequence: nonsense.
Genome position (GRCh38, 1-based): chr11:18,298,847, C>T on the plus strand (G>A on the coding strand, the complement: HPS5 is on the minus strand). VCF-style: chr11-18298847-C-T. GRCh37 (hg19) VCF-style: chr11-18320394-C-T.
Other names: c.767G>A, p.Trp256Ter (NM_007216.4, NM_181508.2); short protein forms W256*, W370*.
Identifiers: ClinVar variation 2707427 (VCV002707427.3), dbSNP rs2493948073, ClinGen allele CA379498198.